The following is an entry in ClinVar:

ClinVar aggregate classification (germline): Uncertain significance (1 of 4 stars; one submission).

gnomAD v4.1: 21 of 1,614,054 alleles (0.0013%); highest among the groups gnomAD compares: African/African-American, 0.025%; no homozygotes.

Submission:

Labcorp Genetics (formerly Invitae), Labcorp
Classification: Uncertain significance. Last evaluated: 2025-04-24. Review status: criteria provided, single submitter. Criteria: Invitae Variant Classification Sherloc (09022015). Collection method: clinical testing. Allele origin: germline.
Comment: This sequence change replaces proline, which is neutral and non-polar, with threonine, which is neutral and polar, at codon 118 of the CREB3L3 protein (p.Pro118Thr). This variant is present in population databases (rs77528283, gnomAD 0.02%). This variant has not been reported in the literature in individuals affected with CREB3L3-related conditions. Invitae Evidence Modeling of protein sequence and biophysical properties (such as structural, functional, and spatial information, amino acid conservation, physicochemical variation, residue mobility, and thermodynamic stability) indicates that this missense variant is not expected to disrupt CREB3L3 protein function with a negative predictive value of 80%. In summary, the available evidence is currently insufficient to determine the role of this variant in disease. Therefore, it has been classified as a Variant of Uncertain Significance.

NM_032607.3(CREB3L3):c.352C>A (p.Pro118Thr)

Gene: CREB3L3 (cAMP responsive element binding protein 3 like 3; plus strand). Cytogenetic location: 19p13.3.
Variant type: single nucleotide variant.
Coding change: c.352C>A on transcript NM_032607.3 (MANE Select); coding-DNA position 352, C replaced by A.
Protein change: p.Pro118Thr; replaces proline 118 with threonine.
Molecular consequence: missense variant.
Genome position (GRCh38, 1-based): chr19:4,157,190, C>A. VCF-style: chr19-4157190-C-A. GRCh37 (hg19) VCF-style: chr19-4157187-C-A.
Other names: c.349C>A, p.Pro117Thr (NM_001271995.2); c.352C>A, p.Pro118Thr (NM_001271996.2, NM_001271997.2); short protein forms P118T, P117T.
Identifiers: ClinVar variation 4754546 (VCV004754546.1).
Genomic context (GRCh38, chr19:4,157,190, plus strand): 5'-CAGGACACCCCTCCACGCAGCGGACCAGCCACCTCCCCCGCCGGCTGCCATCCTGCCCAG[C>A]CTGGCAAGGGGCCCTGCCTCTCCTATCATCCTGGCAACTCTTGCTCCACCACAACCCCAG-3'
Protein context (NP_115996.1, residues 108-128): TSPAGCHPAQ[Pro118Thr]GKGPCLSYHP